The following is an entry in ClinVar:

NM_003105.6(SORL1):c.4040T>G (p.Met1347Arg)

Gene: SORL1 (sortilin related receptor 1; plus strand). Cytogenetic location: 11q24.1.
Variant type: single nucleotide variant.
Coding change: c.4040T>G on transcript NM_003105.6 (MANE Select); coding-DNA position 4040, T replaced by G.
Protein change: p.Met1347Arg; replaces methionine 1347 with arginine.
Molecular consequence: missense variant.
Genome position (GRCh38, 1-based): chr11:121,589,352, T>G. VCF-style: chr11-121589352-T-G. GRCh37 (hg19) VCF-style: chr11-121460061-T-G.
Other names: short protein forms M1347R.
Identifiers: ClinVar variation 2997039 (VCV002997039.3), dbSNP rs1863173167, ClinGen allele CA383031355.
Genomic context (GRCh38, chr11:121,589,352, plus strand): 5'-AGTTCGGTTTCCAGTGTCAGAATGGAGTGTGCATCAGTTTGATTTGGAAGTGCGACGGGA[T>G]GGATGATTGCGGCGATTATTCTGATGAAGCCAACTGCGGTAAGATGTCCAGTCTGCCTCC-3'
Protein context (NP_003096.2, residues 1337-1357): CISLIWKCDG[Met1347Arg]DDCGDYSDEA

ClinVar aggregate classification (germline): Uncertain significance (1 of 4 stars; one submission).

Allele frequency attached by ClinVar (database versions not stated): gnomAD exomes below 0.00001.

Submission:

Labcorp Genetics (formerly Invitae), Labcorp
Classification: Uncertain significance. Last evaluated: 2023-12-11. Review status: criteria provided, single submitter. Criteria: Invitae Variant Classification Sherloc (09022015). Collection method: clinical testing. Allele origin: germline.
Comment: This sequence change replaces methionine, which is neutral and non-polar, with arginine, which is basic and polar, at codon 1347 of the SORL1 protein (p.Met1347Arg). This variant is not present in population databases (gnomAD no frequency). This variant has not been reported in the literature in individuals affected with SORL1-related conditions. An algorithm developed to predict the effect of missense changes on protein structure and function (PolyPhen-2) suggests that this variant is likely to be tolerated. Algorithms developed to predict the effect of sequence changes on RNA splicing suggest that this variant may create or strengthen a splice site. In summary, the available evidence is currently insufficient to determine the role of this variant in disease. Therefore, it has been classified as a Variant of Uncertain Significance.